The following is an entry in ClinVar:

ClinVar aggregate classification (germline): Pathogenic. Review status: reviewed by expert panel (3 of 4 stars). 2 submissions from 2 submitters: Pathogenic (1). 1 of the submissions does not count toward it. Last evaluated 2024-06-13.

Conditions:
X-linked severe combined immunodeficiency (SCIDX1). Also called: X-Linked Combined Immunodeficiency Diseases; IMMUNODEFICIENCY 4; SCID, X-LINKED; SEVERE COMBINED IMMUNODEFICIENCY, X-LINKED, T CELL-NEGATIVE, B CELL-POSITIVE, NK CELL-NEGATIVE; T-B+ severe combined immunodeficiency due to gamma chain deficiency. Identifiers: Orphanet 276, MedGen C6022468, MONDO:0010315, OMIM 300400. Disease mechanism: loss of function.

Submissions (2):

ClinGen Severe Combined Immunodeficiency Variant Curation Expert Panel, ClinGen
Classification: Pathogenic for X-linked severe combined immunodeficiency. Last evaluated: 2024-06-13. Review status: reviewed by expert panel. Criteria: ClinGen SCID ACMG Specifications IL2RG V1.0.0. Collection method: curation. Allele origin: germline. Inheritance: X-linked inheritance.
Comment: The c.964C>T (p.Gln322Ter) variant in IL2RG is a nonsense variant located in the last exon (8/8). Although it is not predicted to cause nonsense-mediated decay, as it is located in a critical region for protein function, PVS1 is still applied at default strength (PVS1). This variant is absent from gnomAD v4 (PM2_Supporting). At least one patient in the literature presents: Diagnostic criteria for SCID/Leaky SCID/Omenn syndrome met (0.5 pts) + XY male sex (0.5 pts); The total is 1 point, PP4 is met (PMIDs: 33628209 and 9058718). In summary, this variant meets the criteria to be classified as Pathogenic for X-linked T-B+ severe combined immunodeficiency due to gamma chain deficiency based on the ACMG/AMP criteria applied, as specified by the ClinGen SCID VCEP: PVS1, PM2_Supporting, and PP4 (VCEP specifications version 1).

Labcorp Genetics (formerly Invitae), Labcorp
Classification: Pathogenic for X-linked severe combined immunodeficiency. Last evaluated: 2022-04-22. Review status: criteria provided, single submitter. Criteria: Invitae Variant Classification Sherloc (09022015). Collection method: clinical testing. Allele origin: germline. Not counted in ClinVar's aggregate classification.
Comment: This sequence change creates a premature translational stop signal (p.Gln322*) in the IL2RG gene. While this is not anticipated to result in nonsense mediated decay, it is expected to disrupt the last 48 amino acid(s) of the IL2RG protein. This variant is not present in population databases (gnomAD no frequency). This premature translational stop signal has been observed in individuals with severe combined immunodeficiency (PMID: 9058718, 33628209). Algorithms developed to predict the effect of sequence changes on RNA splicing suggest that this variant may disrupt the consensus splice site. This variant disrupts a region of the IL2RG protein in which other variant(s) (p.Arg328*) have been determined to be pathogenic (PMID: 28747913, 30622570, 30778380, 31799703, 32499645). This suggests that this is a clinically significant region of the protein, and that variants that disrupt it are likely to be disease-causing. For these reasons, this variant has been classified as Pathogenic.

Literature cited by the submitters: PubMed 9058718 (cited by Labcorp Genetics (formerly Invitae), Labcorp); PubMed 33628209 (cited by Labcorp Genetics (formerly Invitae), Labcorp); PubMed 28747913 (cited by Labcorp Genetics (formerly Invitae), Labcorp); PubMed 30622570 (cited by Labcorp Genetics (formerly Invitae), Labcorp); PubMed 30778380 (cited by Labcorp Genetics (formerly Invitae), Labcorp); PubMed 31799703 (cited by Labcorp Genetics (formerly Invitae), Labcorp); PubMed 32499645 (cited by Labcorp Genetics (formerly Invitae), Labcorp).

NM_000206.3(IL2RG):c.964C>T (p.Gln322Ter)

Gene: IL2RG (interleukin 2 receptor subunit gamma; minus strand). Cytogenetic location: Xq13.1.
Variant type: single nucleotide variant.
Coding change: c.964C>T on transcript NM_000206.3 (MANE Select); coding-DNA position 964, C replaced by T.
Protein change: p.Gln322Ter; replaces glutamine 322 with a stop codon.
Molecular consequence: nonsense.
Genome position (GRCh38, 1-based): chrX:71,107,882, G>A on the plus strand (C>T on the coding strand, the complement: IL2RG is on the minus strand). VCF-style: chrX-71107882-G-A. GRCh37 (hg19) VCF-style: chrX-70327732-G-A.
Other names: NM_000206.3(IL2RG):c.964C>T; p.Gln322Ter; short protein forms Q322*.
Identifiers: ClinVar variation 2138599 (VCV002138599.4), dbSNP rs2521700334, ClinGen allele CA413628043.
Genomic context (GRCh38, chrX:71,107,882, plus strand): 5'-GGGCCCCTCCTTTTGGGGGAATCTCACTGACGAGGCAGAGTCGTTCACTGTAGTCTGGCT[G>A]CAGACTCTCAGCCAGTCCCTTAGACACACCACTCCAGGCCTAAAGACAGATATGTCCAGG-3'